The following is an entry in ClinVar:

ClinVar aggregate classification (germline): Uncertain significance (1 of 4 stars; one submission).

Conditions:
Familial intrahepatic cholestasis. Identifiers: Orphanet 284385, MedGen CN296401, MONDO:0017290.

Submission:

Genomenon, Inc
Classification: Uncertain significance for Familial intrahepatic cholestasis. Last evaluated: 2026-04-14. Review status: criteria provided, single submitter. Criteria: Genomenon Sequence Variant Interpretation Standards - Updated. Collection method: curation. Allele origin: germline. Affected: yes.
Comment: ABCB4 p.Gly70Arg (c.208G>C) is a missense variant that changes the amino acid at residue 70 from Glycine to Arginine. This variant has been reported in at least one proband with an ABCB4-related disorder (PMID:21119540). It is absent or not present at a significant frequency in gnomAD. In conclusion, we classify ABCB4 p.Gly70Arg (c.208G>C) as a variant of uncertain significance.

Literature cited by the submitters: PubMed 21119540.

NM_000443.4(ABCB4):c.208G>C (p.Gly70Arg)

Gene: ABCB4 (ATP binding cassette subfamily B member 4; minus strand). Cytogenetic location: 7q21.12.
Variant type: single nucleotide variant.
Coding change: c.208G>C on transcript NM_000443.4 (MANE Select); coding-DNA position 208, G replaced by C.
Protein change: p.Gly70Arg; replaces glycine 70 with arginine.
Molecular consequence: missense variant.
Genome position (GRCh38, 1-based): chr7:87,462,836, C>G on the plus strand (G>C on the coding strand, the complement: ABCB4 is on the minus strand). VCF-style: chr7-87462836-C-G. GRCh37 (hg19) VCF-style: chr7-87092152-C-G.
Other names: c.208G>C, p.Gly70Arg (NM_018849.3, NM_018850.3); short protein forms G70R.
Identifiers: ClinVar variation 4846477 (VCV004846477.1).